The following is an entry in ClinVar:

ClinVar aggregate classification (germline): Uncertain significance. Review status: criteria provided, multiple submitters, no conflicts (2 of 4 stars). 2 submissions from 2 submitters: Uncertain significance (2). Last evaluated 2024-08-28.

gnomAD v4.1: 21 of 1,614,106 alleles (0.0013%); highest among the groups gnomAD compares: Admixed American, 0.033%; no homozygotes.

Submissions (2):

Ambry Genetics
Classification: Uncertain significance. Last evaluated: 2024-08-28. Review status: criteria provided, single submitter. Criteria: Ambry Variant Classification Scheme 2023. Collection method: clinical testing. Allele origin: germline.

Mayo Clinic Laboratories, Mayo Clinic
Classification: Uncertain significance. Last evaluated: 2024-02-29. Review status: criteria provided, single submitter. Criteria: ACMG Guidelines, 2015. Collection method: clinical testing. Allele origin: germline. Observed: 1 variant allele.
Comment: PM1_supporting

NM_005845.5(ABCC4):c.712C>T (p.Leu238Phe)

Genes: ABCC4 (ATP binding cassette subfamily C member 4 (PEL blood group); minus strand), LOC126861817 (BRD4-independent group 4 enhancer GRCh37_chr13:95861642-95862841; plus strand). Cytogenetic location: 13q32.1.
Variant type: single nucleotide variant.
Coding change: c.712C>T on transcript NM_005845.5 (MANE Select); coding-DNA position 712, C replaced by T.
Protein change: p.Leu238Phe; replaces leucine 238 with phenylalanine.
Molecular consequence: missense variant.
Genome position (GRCh38, 1-based): chr13:95,209,507, G>A on the plus strand (C>T on the coding strand, the complement: ABCC4 is on the minus strand). VCF-style: chr13-95209507-G-A. GRCh37 (hg19) VCF-style: chr13-95861761-G-A.
Other names: p.Leu238Phe; c.712C>T, p.Leu238Phe (NM_001105515.3, NM_001301829.2); c.487C>T, p.Leu163Phe (NM_001301830.2); c.712C>T (NM_005845.3); short protein forms L163F, L238F.
Identifiers: ClinVar variation 3380161 (VCV003380161.2).